The following is an entry in ClinVar:

NM_000368.5(TSC1):c.1998-19T>C

Gene: TSC1 (TSC complex subunit 1; minus strand). Cytogenetic location: 9q34.13.
Variant type: single nucleotide variant.
Coding change: c.1998-19T>C on transcript NM_000368.5 (MANE Select); 19 bases into the intron before coding-DNA position 1998, T replaced by C.
Molecular consequence: intron variant.
Genome position (GRCh38, 1-based): chr9:132,904,473, A>G on the plus strand (T>C on the coding strand, the complement: TSC1 is on the minus strand). VCF-style: chr9-132904473-A-G. GRCh37 (hg19) VCF-style: chr9-135779860-A-G.
Other names: c.1635-19T>C (NM_001362177.2); c.1845-19T>C (NM_001162427.2); c.1995-19T>C (NM_001162426.2).
Identifiers: ClinVar variation 1593722 (VCV001593722.9), dbSNP rs184408837, ClinGen allele CA2573144266.

ClinVar aggregate classification (germline): Likely benign. Review status: criteria provided, multiple submitters, no conflicts (2 of 4 stars). 2 submissions from 2 submitters: Likely benign (2). Last evaluated 2025-04-24.

Conditions:
Tuberous sclerosis 1 (TSC1). Identifiers: Orphanet 805, MedGen C1854465, MONDO:0008612, OMIM 191100.

Submissions (2):

Myriad Genetics, Inc.
Classification: Likely benign for Tuberous sclerosis 1. Last evaluated: 2025-04-24. Review status: criteria provided, single submitter. Criteria: Myriad Autosomal Dominant, Autosomal Recessive and X-Linked Classification Criteria (2023). Collection method: clinical testing. Allele origin: unknown.
Comment: This variant is considered likely benign. This variant is intronic and is not expected to impact mRNA splicing.

Labcorp Genetics (formerly Invitae), Labcorp
Classification: Likely benign for Tuberous sclerosis 1. Last evaluated: 2021-11-13. Review status: criteria provided, single submitter. Criteria: Invitae Variant Classification Sherloc (09022015). Collection method: clinical testing. Allele origin: germline.